The following is an entry in ClinVar:

ClinVar aggregate classification (germline): Uncertain significance (1 of 4 stars; one submission).

Conditions:
Osteogenesis imperfecta type I (OI1). Also called: Classic Non-deforming Osteogenesis Imperfecta with Blue Sclerae; OI, TYPE I; OSTEOGENESIS IMPERFECTA TARDA; OSTEOGENESIS IMPERFECTA WITH BLUE SCLERAE; Osteogenesis imperfecta type 1; Lobstein's Disease. Identifiers: Orphanet 216796, Orphanet 666, MedGen C0023931, MONDO:0008146, OMIM 166200. Disease mechanism: loss of function.

Allele frequency attached by ClinVar (database versions not stated): gnomAD exomes below 0.00001; TOPMed below 0.00001.

Submission:

Labcorp Genetics (formerly Invitae), Labcorp
Classification: Uncertain significance for Osteogenesis imperfecta type I. Last evaluated: 2024-05-21. Review status: criteria provided, single submitter. Criteria: Invitae Variant Classification Sherloc (09022015). Collection method: clinical testing. Allele origin: germline.
Comment: This sequence change replaces arginine, which is basic and polar, with cysteine, which is neutral and slightly polar, at codon 511 of the COL1A1 protein (p.Arg511Cys). This variant is present in population databases (no rsID available, gnomAD 0.0009%). This variant has not been reported in the literature in individuals affected with COL1A1-related conditions. ClinVar contains an entry for this variant (Variation ID: 1417283). Advanced modeling of protein sequence and biophysical properties (such as structural, functional, and spatial information, amino acid conservation, physicochemical variation, residue mobility, and thermodynamic stability) performed at Invitae indicates that this missense variant is expected to disrupt COL1A1 protein function with a positive predictive value of 95%. In summary, the available evidence is currently insufficient to determine the role of this variant in disease. Therefore, it has been classified as a Variant of Uncertain Significance.

NM_000088.4(COL1A1):c.1531C>T (p.Arg511Cys)

Gene: COL1A1 (collagen type I alpha 1 chain; minus strand). Cytogenetic location: 17q21.33.
Variant type: single nucleotide variant.
Coding change: c.1531C>T on transcript NM_000088.4 (MANE Select); coding-DNA position 1531, C replaced by T.
Protein change: p.Arg511Cys; replaces arginine 511 with cysteine.
Molecular consequence: missense variant.
Genome position (GRCh38, 1-based): chr17:50,194,432, G>A on the plus strand (C>T on the coding strand, the complement: COL1A1 is on the minus strand). VCF-style: chr17-50194432-G-A. GRCh37 (hg19) VCF-style: chr17-48271793-G-A.
Other names: short protein forms R511C.
Identifiers: ClinVar variation 1417283 (VCV001417283.8), dbSNP rs1478682303, ClinGen allele CA400216903.